The following is an entry in ClinVar:

ClinVar aggregate classification (germline): Uncertain significance (1 of 4 stars; one submission).

Conditions:
Epidermolysis bullosa simplex with nail dystrophy (EBS5D). Identifiers: MedGen C4225309, MONDO:0014661, OMIM 616487.
Epidermolysis bullosa simplex 5B, with muscular dystrophy (EBS5B). Also called: EPIDERMOLYSIS BULLOSA SIMPLEX AND LIMB-GIRDLE MUSCULAR DYSTROPHY; Epidermolysis bullosa simplex with muscular dystrophy. Identifiers: Orphanet 257, MedGen C2931072, MONDO:0009181, OMIM 226670.
Epidermolysis bullosa simplex, Ogna type (EBS5A). Also called: Pidermolysis bullosa simplex 5A, Ogna type; EPIDERMOLYSIS BULLOSA SIMPLEX 5A, OGNA TYPE. Identifiers: Orphanet 79401, MedGen C0432317, MONDO:0007555, OMIM 131950.
Epidermolysis bullosa simplex 5C, with pyloric atresia (EBS5C). Also called: PLEC-Related Epidermolysis Bullosa with Pyloric Atresia; Epidermolysis bullosa simplex with pyloric atresia; PLEC1-Related Epidermolysis Bullosa with Pyloric Atresia. Identifiers: Orphanet 158684, MedGen C2677349, MONDO:0012807, OMIM 612138.
Autosomal recessive limb-girdle muscular dystrophy type 2Q (LGMDR17). Also called: MUSCULAR DYSTROPHY, LIMB-GIRDLE, AUTOSOMAL RECESSIVE 17. Identifiers: Orphanet 254361, MedGen C3150989, MONDO:0013390, OMIM 613723.

Submission:

Labcorp Genetics (formerly Invitae), Labcorp
Classification: Uncertain significance for Autosomal recessive limb-girdle muscular dystrophy type 2Q; Epidermolysis bullosa simplex, Ogna type; Epidermolysis bullosa simplex with nail dystrophy; Epidermolysis bullosa simplex 5C, with pyloric atresia; Epidermolysis bullosa simplex 5B, with muscular dystrophy. Last evaluated: 2020-07-24. Review status: criteria provided, single submitter. Criteria: Invitae Variant Classification Sherloc (09022015). Collection method: clinical testing. Allele origin: germline.
Comment: In summary, the available evidence is currently insufficient to determine the role of this variant in disease. Therefore, it has been classified as a Variant of Uncertain Significance. Algorithms developed to predict the effect of missense changes on protein structure and function are either unavailable or do not agree on the potential impact of this missense change (SIFT: "Tolerated"; PolyPhen-2: "Possibly Damaging"; Align-GVGD: "Class C0"). This variant has not been reported in the literature in individuals with PLEC-related conditions. This variant is not present in population databases (ExAC no frequency). This sequence change replaces phenylalanine with valine at codon 3261 of the PLEC protein (p.Phe3261Val). The phenylalanine residue is moderately conserved and there is a small physicochemical difference between phenylalanine and valine.

NM_201384.3(PLEC):c.9700T>G (p.Phe3234Val)

Gene: PLEC (plectin; minus strand). Cytogenetic location: 8q24.3.
Variant type: single nucleotide variant.
Coding change: c.9700T>G on transcript NM_201384.3 (MANE Select); coding-DNA position 9700, T replaced by G.
Protein change: p.Phe3234Val; replaces phenylalanine 3234 with valine.
Molecular consequence: missense variant.
Genome position (GRCh38, 1-based): chr8:143,920,121, A>C on the plus strand (T>G on the coding strand, the complement: PLEC is on the minus strand). VCF-style: chr8-143920121-A-C. GRCh37 (hg19) VCF-style: chr8-144994289-A-C.
Other names: c.9781T>G, p.Phe3261Val (NM_000445.5); c.9658T>G, p.Phe3220Val (NM_201378.4); c.9634T>G, p.Phe3212Val (NM_201379.3); c.10111T>G, p.Phe3371Val (NM_201380.4); c.9604T>G, p.Phe3202Val (NM_201381.3); c.9700T>G, p.Phe3234Val (NM_201382.4); c.9712T>G, p.Phe3238Val (NM_201383.3); short protein forms F3202V, F3212V, F3220V, F3234V, F3238V, F3261V, F3371V.
Identifiers: ClinVar variation 1025456 (VCV001025456.9), dbSNP rs1822042749, ClinGen allele CA372507244.
Genomic context (GRCh38, chr8:143,920,121, plus strand): 5'-ACACCGTCACCGTCCTGCCCTTGAAGCCACCCACGGGGACCTCAACCGGGGTCTTTTCAA[A>C]GGTCTCACGGGCCTGCAGCTCTGAGTAGAGCTCCTCCTGCCGGGCCCGAGCAGCCTTTTC-3'
Protein context (NP_958786.1, residues 3224-3244): LYSELQARET[Phe3234Val]EKTPVEVPVG